The following is an entry in ClinVar:

NM_001082538.3(TCTN1):c.1235T>C (p.Ile412Thr)

Gene: TCTN1 (tectonic family member 1; plus strand). Cytogenetic location: 12q24.11.
Variant type: single nucleotide variant.
Coding change: c.1235T>C on transcript NM_001082538.3 (MANE Select); coding-DNA position 1235, T replaced by C.
Protein change: p.Ile412Thr; replaces isoleucine 412 with threonine.
Molecular consequence: missense variant. On other transcripts: intron variant (2).
Genome position (GRCh38, 1-based): chr12:110,642,293, T>C. VCF-style: chr12-110642293-T-C. GRCh37 (hg19) VCF-style: chr12-111080098-T-C.
Other names: c.1235T>C, p.Ile412Thr (NM_001082537.3); c.1067T>C, p.Ile356Thr (NM_001173975.3); c.701T>C, p.Ile234Thr (NM_001319681.2); c.1193T>C, p.Ile398Thr (NM_024549.6); c.1010+666T>C (NM_001173976.2); c.1190+666T>C (NM_001319680.2); short protein forms I234T, I398T, I412T, I356T.
Identifiers: ClinVar variation 1349993 (VCV001349993.8), dbSNP rs2136144284, ClinGen allele CA386705412.

ClinVar aggregate classification (germline): Uncertain significance (1 of 4 stars; one submission).

Conditions:
Joubert syndrome. Also called: CEREBELLOPARENCHYMAL DISORDER IV; JOUBERT-BOLTSHAUSER SYNDROME; Familial aplasia of the vermis. Identifiers: Orphanet 475, MedGen C5979921, MONDO:0018772.
Meckel-Gruber syndrome. Also called: DYSENCEPHALIA SPLANCHNOCYSTICA; GRUBER SYNDROME; Dysencephalia splachnocystica. Identifiers: Orphanet 564, MedGen C0265215, MONDO:0018921.

Submission:

Labcorp Genetics (formerly Invitae), Labcorp
Classification: Uncertain significance for Joubert syndrome; Meckel-Gruber syndrome. Last evaluated: 2025-02-03. Review status: criteria provided, single submitter. Criteria: Invitae Variant Classification Sherloc (09022015). Collection method: clinical testing. Allele origin: germline.
Comment: This sequence change replaces isoleucine, which is neutral and non-polar, with threonine, which is neutral and polar, at codon 412 of the TCTN1 protein (p.Ile412Thr). This variant is not present in population databases (gnomAD no frequency). This variant has not been reported in the literature in individuals affected with TCTN1-related conditions. ClinVar contains an entry for this variant (Variation ID: 1349993). Invitae Evidence Modeling of protein sequence and biophysical properties (such as structural, functional, and spatial information, amino acid conservation, physicochemical variation, residue mobility, and thermodynamic stability) has been performed for this missense variant. However, the output from this modeling did not meet the statistical confidence thresholds required to predict the impact of this variant on TCTN1 protein function. In summary, the available evidence is currently insufficient to determine the role of this variant in disease. Therefore, it has been classified as a Variant of Uncertain Significance.